The following is an entry in ClinVar:

NM_001142800.2(EYS):c.4339G>C (p.Gly1447Arg)

Gene: EYS (EGF-like photoreceptor maintenance factor; minus strand). Cytogenetic location: 6q12.
Variant type: single nucleotide variant.
Coding change: c.4339G>C on transcript NM_001142800.2 (MANE Select); coding-DNA position 4339, G replaced by C.
Protein change: p.Gly1447Arg; replaces glycine 1447 with arginine.
Molecular consequence: missense variant.
Genome position (GRCh38, 1-based): chr6:64,591,528, C>G on the plus strand (G>C on the coding strand, the complement: EYS is on the minus strand). VCF-style: chr6-64591528-C-G. GRCh37 (hg19) VCF-style: chr6-65301421-C-G.
Other names: c.4339G>C, p.Gly1447Arg (NM_001292009.2); c.4339G>C (NM_001142800.1); short protein forms G1447R.
Identifiers: ClinVar variation 1040311 (VCV001040311.8), dbSNP rs1459655912, ClinGen allele CA364783537.

ClinVar aggregate classification (germline): Uncertain significance. Review status: criteria provided, multiple submitters, no conflicts (2 of 4 stars). 3 submissions from 3 submitters: Uncertain significance (2). 1 of the submissions does not count toward it. Last evaluated 2025-09-11.

Conditions:
Inborn genetic diseases. Identifiers: MedGen C0950123, MeSH D030342.
Retinitis pigmentosa 25 (RP25). Identifiers: Orphanet 791, MedGen C1864446, MONDO:0011272, OMIM 602772.

Allele frequency attached by ClinVar (database versions not stated): gnomAD exomes below 0.00001; gnomAD 0.00001; TOPMed 0.00002.
gnomAD v4.1: 4 of 1,551,168 alleles (0.00026%); highest among the groups gnomAD compares: Non-Finnish European, 0.00026%; no homozygotes.

Submissions (3):

Ambry Genetics
Classification: Uncertain significance for Inborn genetic diseases. Last evaluated: 2025-09-11. Review status: criteria provided, single submitter. Criteria: Ambry Variant Classification Scheme 2023. Collection method: clinical testing. Allele origin: germline.

Labcorp Genetics (formerly Invitae), Labcorp
Classification: Uncertain significance. Last evaluated: 2022-10-13. Review status: criteria provided, single submitter. Criteria: Invitae Variant Classification Sherloc (09022015). Collection method: clinical testing. Allele origin: germline.
Comment: This sequence change replaces glycine, which is neutral and non-polar, with arginine, which is basic and polar, at codon 1447 of the EYS protein (p.Gly1447Arg). This variant is not present in population databases (gnomAD no frequency). This variant has not been reported in the literature in individuals affected with EYS-related conditions. ClinVar contains an entry for this variant (Variation ID: 1040311). Algorithms developed to predict the effect of missense changes on protein structure and function output the following: SIFT: "Tolerated"; PolyPhen-2: "Probably Damaging"; Align-GVGD: "Class C0". The arginine amino acid residue is found in multiple mammalian species, which suggests that this missense change does not adversely affect protein function. In summary, the available evidence is currently insufficient to determine the role of this variant in disease. Therefore, it has been classified as a Variant of Uncertain Significance.

Natera, Inc.
Classification: Uncertain significance for Retinitis pigmentosa type 25. Last evaluated: 2021-03-16. Review status: no assertion criteria provided. Collection method: clinical testing. Allele origin: germline. Not counted in ClinVar's aggregate classification.